The following is an entry in ClinVar:

ClinVar aggregate classification (germline): Pathogenic/Likely pathogenic. Review status: criteria provided, multiple submitters, no conflicts (2 of 4 stars). 2 submissions from 2 submitters: Pathogenic (1); Likely pathogenic (1). Last evaluated 2025-06-30.

Conditions:
Multiple congenital exostosis (EXT). Also called: Hereditary multiple exostoses; Hereditary multiple exostosis; MULTIPLE CARTILAGINOUS EXOSTOSES; Multiple exostoses; Hereditary multiple osteochondromas; Multiple osteochondromas. Identifiers: Orphanet 321, MedGen C0015306, MONDO:0005508, HP:0002762.

Allele frequency attached by ClinVar (database versions not stated): gnomAD exomes below 0.00001.
gnomAD v4.1: 1 of 1,613,972 alleles (0.000062%); no homozygotes.

Submissions (2):

Labcorp Genetics (formerly Invitae), Labcorp
Classification: Pathogenic for Multiple congenital exostosis. Last evaluated: 2025-06-30. Review status: criteria provided, single submitter. Criteria: Invitae Variant Classification Sherloc (09022015). Collection method: clinical testing. Allele origin: germline.
Comment: This sequence change replaces glycine, which is neutral and non-polar, with arginine, which is basic and polar, at codon 343 of the EXT1 protein (p.Gly343Arg). This variant is not present in population databases (gnomAD no frequency). This missense change has been observed in individual(s) with multiple osteochondromas (PMID: 19810120; internal data). Invitae Evidence Modeling of clinical and family history, age, sex, and reported ancestry of multiple individuals with this EXT1 variant has been performed. This variant is expected to be pathogenic with a positive predictive value of at least 99%. This is a validated machine learning model that incorporates the clinical features of 66,185 individuals referred to our laboratory for EXT1 testing. ClinVar contains an entry for this variant (Variation ID: 1071749). Invitae Evidence Modeling of protein sequence and biophysical properties (such as structural, functional, and spatial information, amino acid conservation, physicochemical variation, residue mobility, and thermodynamic stability) indicates that this missense variant is expected to disrupt EXT1 protein function with a positive predictive value of 80%. This variant disrupts the p.Gly343 amino acid residue in EXT1. Other variant(s) that disrupt this residue have been observed in individuals with EXT1-related conditions (PMID: 15586175, 19810120), which suggests that this may be a clinically significant amino acid residue. For these reasons, this variant has been classified as Pathogenic.

GeneDx
Classification: Likely pathogenic. Last evaluated: 2022-10-07. Review status: criteria provided, single submitter. Criteria: GeneDx Variant Classification Process June 2021. Collection method: clinical testing. Allele origin: germline. Affected: yes.
Comment: Identified in patients with multiple osteochondromas in the literature; however, the data cited is unpublished (Jennes et al., 2009); Not observed at significant frequency in large population cohorts (gnomAD); In silico analysis supports that this missense variant has a deleterious effect on protein structure/function; This variant is associated with the following publications: (PMID: 22820392, 19810120)

Literature cited by the submitters: PubMed 19810120 (cited by Labcorp Genetics (formerly Invitae), Labcorp); PubMed 15586175 (cited by Labcorp Genetics (formerly Invitae), Labcorp).

NM_000127.3(EXT1):c.1027G>A (p.Gly343Arg)

Gene: EXT1 (exostosin glycosyltransferase 1; minus strand). Cytogenetic location: 8q24.11.
Variant type: single nucleotide variant.
Coding change: c.1027G>A on transcript NM_000127.3 (MANE Select); coding-DNA position 1027, G replaced by A.
Protein change: p.Gly343Arg; replaces glycine 343 with arginine.
Molecular consequence: missense variant.
Genome position (GRCh38, 1-based): chr8:117,837,137, C>T on the plus strand (G>A on the coding strand, the complement: EXT1 is on the minus strand). VCF-style: chr8-117837137-C-T. GRCh37 (hg19) VCF-style: chr8-118849376-C-T.
Other names: short protein forms G343R.
Identifiers: ClinVar variation 1071749 (VCV001071749.10), dbSNP rs978347552, ClinGen allele CA371893273.
Genomic context (GRCh38, chr8:117,837,137, plus strand): 5'-CCTATTCTGGGAAGGCTCCAGGGCCTCTTACCTGCAAAGCCTCCAGGAATCTGAAGGACC[C>T]AAGCCTGCGACCACGAGGAACCAGACAGAAAGTGGCATTGTGCAGCATTTCCCGATAATC-3'
Protein context (NP_000118.2, residues 333-353): FCLVPRGRRL[Gly343Arg]SFRFLEALQA